The following is an entry in ClinVar:

ClinVar aggregate classification (germline): Pathogenic (1 of 4 stars; one submission).

Conditions:
Polycystic kidney disease, adult type (PKD1). Also called: Polycystic Kidney Disease 1, Autosomal Dominant; Polycystic kidney disease 1; Polycystic kidney disease 1, severe; Polycystic Kidney, Autosomal Dominant; POLYCYSTIC KIDNEY DISEASE 1 WITH OR WITHOUT POLYCYSTIC LIVER DISEASE; POLYCYSTIC KIDNEY DISEASE, ADULT, TYPE I. Identifiers: MedGen C3149841, MONDO:0008263, OMIM 173900.

Submission:

Women's Health and Genetics/Laboratory Corporation of America, LabCorp
Classification: Pathogenic for Polycystic kidney disease, adult type. Last evaluated: 2025-05-01. Review status: criteria provided, single submitter. Criteria: LabCorp Variant Classification Summary - May 2015. Collection method: clinical testing. Allele origin: germline.
Comment: Variant summary: PKD1 c.6600_6603delCCCA (p.Pro2201ArgfsX10) results in a premature termination codon, predicted to cause a truncation of the encoded protein or absence of the protein due to nonsense mediated decay, which are commonly known mechanisms for disease. The variant was absent in 197148 control chromosomes. To our knowledge, no occurrence of c.6600_6603delCCCA in individuals affected with Polycystic Kidney Disease 1 and no experimental evidence demonstrating its impact on protein function have been reported. No submitters have cited clinical-significance assessments for this variant to ClinVar. Based on the evidence outlined above, the variant was classified as pathogenic.

NM_001009944.3(PKD1):c.6600_6603del (p.Pro2201fs)

Gene: PKD1 (polycystin 1, transient receptor potential channel interacting; minus strand). Cytogenetic location: 16p13.3.
Variant type: Deletion.
Coding change: c.6600_6603del on transcript NM_001009944.3 (MANE Select); coding-DNA positions 6600 to 6603, 4 bases deleted (CCCA; older notation c.6600_6603delCCCA).
Protein change: p.Pro2201fs; shifts the reading frame from proline 2201.
Molecular consequence: frameshift variant.
Genome position (GRCh38, 1-based): chr16:2,108,564-2,108,567, TGGG deleted on the plus strand (CCCA on the coding strand, the reverse complement: PKD1 is on the minus strand). VCF-style (leftmost placement, unchanged base first): chr16-2108563-CTGGG-C. GRCh37 (hg19) VCF-style: chr16-2158564-CTGGG-C.
Other names: c.6600_6603del, p.Pro2201fs (NM_000296.4); c.6600_6603delCCCA (NM_001009944.3); short protein forms P2201fs.
Identifiers: ClinVar variation 3902595 (VCV003902595.1).